The following is an entry in ClinVar:

NM_020297.4(ABCC9):c.2363G>T (p.Cys788Phe)

Gene: ABCC9 (ATP binding cassette subfamily C member 9; minus strand). Cytogenetic location: 12p12.1.
Variant type: single nucleotide variant.
Coding change: c.2363G>T on transcript NM_020297.4 (MANE Select); coding-DNA position 2363, G replaced by T.
Protein change: p.Cys788Phe; replaces cysteine 788 with phenylalanine.
Molecular consequence: missense variant.
Genome position (GRCh38, 1-based): chr12:21,861,032, C>A on the plus strand (G>T on the coding strand, the complement: ABCC9 is on the minus strand). VCF-style: chr12-21861032-C-A. GRCh37 (hg19) VCF-style: chr12-22013966-C-A.
Other names: c.2363G>T, p.Cys788Phe (NM_001377273.1, NM_005691.4); c.1496G>T, p.Cys499Phe (NM_001377274.1); short protein forms C499F, C788F.
Identifiers: ClinVar variation 1790189 (VCV001790189.2), dbSNP rs886295615, ClinGen allele CA384128460.

ClinVar aggregate classification (germline): Uncertain significance (1 of 4 stars; one submission).

Conditions:
Cardiovascular phenotype. Identifiers: MedGen CN230736.

gnomAD v4.1: 1 of 1,613,560 alleles (0.000062%); highest among the groups gnomAD compares: Non-Finnish European, 0.000085%; no homozygotes.

Submission:

Ambry Genetics
Classification: Uncertain significance for Cardiovascular phenotype. Last evaluated: 2020-05-26. Review status: criteria provided, single submitter. Criteria: Ambry Variant Classification Scheme 2023. Collection method: clinical testing. Allele origin: germline.
Comment: The p.C788F variant (also known as c.2363G>T), located in coding exon 19 of the ABCC9 gene, results from a G to T substitution at nucleotide position 2363. The cysteine at codon 788 is replaced by phenylalanine, an amino acid with highly dissimilar properties. This amino acid position is highly conserved in available vertebrate species. In addition, this alteration is predicted to be deleterious by in silico analysis. Since supporting evidence is limited at this time, the clinical significance of this alteration remains unclear.